The following is an entry in ClinVar:

NM_000525.4(KCNJ11):c.356dup (p.Ala120fs)

Gene: KCNJ11 (potassium inwardly rectifying channel subfamily J member 11; minus strand). Cytogenetic location: 11p15.1.
Variant type: Duplication.
Coding change: c.356dup on transcript NM_000525.4 (MANE Select); coding-DNA position 356, one base duplicated (C; older notation c.356dupC).
Protein change: p.Ala120fs; shifts the reading frame from alanine 120.
Molecular consequence: frameshift variant.
Genome position (GRCh38, 1-based): chr11:17,387,736, G duplicated on the plus strand (C on the coding strand, the reverse complement: KCNJ11 is on the minus strand). VCF-style (leftmost placement, unchanged base first): chr11-17387735-A-AG. GRCh37 (hg19) VCF-style: chr11-17409282-A-AG.
Other names: c.95dup, p.Ala33fs (NM_001166290.2, NM_001377296.1, NM_001377297.1); short protein forms A120fs, A33fs.
Identifiers: ClinVar variation 4814300 (VCV004814300.1).

ClinVar aggregate classification (germline): Likely pathogenic (1 of 4 stars; one submission).

Conditions:
Permanent neonatal diabetes mellitus (PNDM). Identifiers: Orphanet 99885, MedGen C1833104, MONDO:0100164, MONDO:0011643. Disease mechanism: gain of function.

Submission:

Natera, Inc.
Classification: Likely pathogenic for Permanent neonatal diabetes mellitus. Last evaluated: 2025-09-19. Review status: criteria provided, single submitter. Criteria: Natera Variant Classification Schema (03/2026). Collection method: clinical testing. Allele origin: germline.
Comment: The c.356dup variant in KCNJ11 is a frameshift variant predicted to shift the reading frame beginning at codon 120 and leads to a stop codon 7 codons downstream. This variant is expected to result in nonsense mediated decay, truncation, or a dysfunctional protein product. This variant is rare in the general population with a frequency below the threshold expected for the associated phenotype(s). Given the available evidence, this variant is classified as Likely Pathogenic.